The following is an entry in ClinVar:

NM_001365951.3(KIF1B):c.1091C>A (p.Pro364His)

Gene: KIF1B (kinesin family member 1B; plus strand). Cytogenetic location: 1p36.22.
Variant type: single nucleotide variant.
Coding change: c.1091C>A on transcript NM_001365951.3 (MANE Select); coding-DNA position 1091, C replaced by A.
Protein change: p.Pro364His; replaces proline 364 with histidine.
Molecular consequence: missense variant.
Genome position (GRCh38, 1-based): chr1:10,278,039, C>A. VCF-style: chr1-10278039-C-A. GRCh37 (hg19) VCF-style: chr1-10338097-C-A.
Other names: c.1091C>A, p.Pro364His (NM_001365952.1); c.1073C>A, p.Pro358His (NM_001365953.1, NM_015074.3, NM_183416.4); short protein forms P358H, P364H.
Identifiers: ClinVar variation 1784095 (VCV001784095.2), dbSNP rs2521196979, ClinGen allele CA338334112.

ClinVar aggregate classification (germline): Uncertain significance (1 of 4 stars; one submission).

Submission:

Ambry Genetics
Classification: Uncertain significance. Last evaluated: 2022-03-31. Review status: criteria provided, single submitter. Criteria: Ambry Variant Classification Scheme 2023. Collection method: clinical testing. Allele origin: germline.
Comment: The p.P358H variant (also known as c.1073C>A), located in coding exon 11 of the KIF1B gene, results from a C to A substitution at nucleotide position 1073. The proline at codon 358 is replaced by histidine, an amino acid with similar properties. This amino acid position is conserved. In addition, this alteration is predicted to be deleterious by in silico analysis. Since supporting evidence is limited at this time, the clinical significance of this alteration remains unclear.